The following is an entry in ClinVar:

NM_033028.5(BBS4):c.1435A>G (p.Arg479Gly)

Gene: BBS4 (Bardet-Biedl syndrome 4; plus strand). Cytogenetic location: 15q24.1.
Variant type: single nucleotide variant.
Coding change: c.1435A>G on transcript NM_033028.5 (MANE Select); coding-DNA position 1435, A replaced by G.
Protein change: p.Arg479Gly; replaces arginine 479 with glycine.
Molecular consequence: missense variant. On other transcripts: non-coding transcript variant (2).
Genome position (GRCh38, 1-based): chr15:72,736,948, A>G. VCF-style: chr15-72736948-A-G. GRCh37 (hg19) VCF-style: chr15-73029289-A-G.
Other names: c.919A>G, p.Arg307Gly (NM_001252678.2); c.1366A>G, p.Arg456Gly (NM_001320665.2); short protein forms R456G, R479G, R307G.
Identifiers: ClinVar variation 4993929 (VCV004993929.1).

ClinVar aggregate classification (germline): Uncertain significance (1 of 4 stars; one submission).

Conditions:
BBS4-related disorder. Also called: BBS4-related condition.

gnomAD v4.1: 1 of 1,614,194 alleles (0.000062%); highest among the groups gnomAD compares: Non-Finnish European, 0.000085%; no homozygotes.

Submission:

PreventionGenetics, part of Exact Sciences
Classification: Uncertain significance for BBS4-related condition. Last evaluated: 2026-07-23. Review status: criteria provided, single submitter. Criteria: ACMG Guidelines, 2015. Collection method: clinical testing. Allele origin: germline.
Comment: The BBS4 c.1435A>G variant is predicted to result in the amino acid substitution p.Arg479Gly. To our knowledge, this variant has not been reported in the literature or in a large population database (gnomAD), indicating this variant is rare. At this time, the clinical significance of this variant is uncertain due to the absence of conclusive functional and genetic evidence.